The following is an entry in ClinVar:

NM_000381.4(MID1):c.1831_1833del (p.Asp611del)

Genes: MID1 (midline 1; minus strand), LOC126863207 (BRD4-independent group 4 enhancer GRCh37_chrX:10416979-10418178; plus strand). Cytogenetic location: Xp22.2.
Variant type: Deletion.
Coding change: c.1831_1833del on transcript NM_000381.4 (MANE Select); coding-DNA positions 1831 to 1833, 3 bases deleted (GAT; older notation c.1831_1833delGAT).
Protein change: p.Asp611del; deletes aspartic acid 611.
Molecular consequence: inframe deletion.
Genome position (GRCh38, 1-based): chrX:10,449,539-10,449,541, ATC deleted on the plus strand (GAT on the coding strand, the reverse complement: MID1 is on the minus strand); deleting any 3 consecutive bases within chrX:10,449,539-10,449,543 gives the same sequence; the c. name uses the placement nearest the transcript's 3' end. VCF-style (leftmost placement, unchanged base first): chrX-10449538-TATC-T. GRCh37 (hg19) VCF-style: chrX-10417578-TATC-T.
Other names: c.1831_1833del, p.Asp611del (NM_001098624.2, NM_001193277.1, NM_001347733.2 and 1 more transcripts); c.1717_1719del, p.Asp573del (NM_033289.2); short protein forms D573del, D611del.
Identifiers: ClinVar variation 4855496 (VCV004855496.1).
Genomic context (GRCh38, chrX:10,449,538, plus strand): 5'-CGACGTCGAAGGTGTAGAGGTGGATGGAGTTCAAAGCATCATAAAAGGCGATAGAGCCGT[TATC>T]ATAGTCCAGCAGGATGCCCACGCGCCGGAGGTGGGGGGCAGGCTCAATGGGGATTTCCTT-3'

ClinVar aggregate classification (germline): Uncertain significance (1 of 4 stars; one submission).

Conditions:
X-linked Opitz G/BBB syndrome (GBBB). Also called: Opitz-Frias syndrome; OPITZ BBBG SYNDROME, TYPE I; OPITZ SYNDROME, X-LINKED; OPITZ-G SYNDROME, TYPE I; MID1-Related Opitz G/BBB Syndrome. Identifiers: Orphanet 2745, MedGen C2936904, MONDO:0010222, OMIM 300000.

Submission:

3billion
Classification: Uncertain significance for X-linked Opitz G/BBB syndrome. Last evaluated: 2025-10-02. Review status: criteria provided, single submitter. Criteria: ACMG Guidelines, 2015. Collection method: clinical testing. Allele origin: germline. Affected: yes.
Comment: The variant is not observed in the gnomAD v4.1.0 dataset. Predicted Consequence/Location: Inframe deletion located in a nonrepeat region: predicted to change the length of the protein and disrupt normal protein function. Therefore, this variant is classified as VUS according to the recommendation of ACMG/AMP guideline.